The following is an entry in ClinVar:

NM_003500.4(ACOX2):c.1240G>A (p.Gly414Arg)

Gene: ACOX2 (acyl-CoA oxidase 2; minus strand). Cytogenetic location: 3p14.3.
Variant type: single nucleotide variant.
Coding change: c.1240G>A on transcript NM_003500.4 (MANE Select); coding-DNA position 1240, G replaced by A.
Protein change: p.Gly414Arg; replaces glycine 414 with arginine.
Molecular consequence: missense variant.
Genome position (GRCh38, 1-based): chr3:58,526,572, C>T on the plus strand (G>A on the coding strand, the complement: ACOX2 is on the minus strand). VCF-style: chr3-58526572-C-T. GRCh37 (hg19) VCF-style: chr3-58512299-C-T.
Other names: short protein forms G414R.
Identifiers: ClinVar variation 3481768 (VCV003481768.2).

ClinVar aggregate classification (germline): Uncertain significance. Review status: criteria provided, multiple submitters, no conflicts (2 of 4 stars). 2 submissions from 2 submitters: Uncertain significance (2). Last evaluated 2025-02-27.

Conditions:
ACOX2-related disorder. Also called: ACOX2-related condition.

gnomAD v4.1: 42 of 1,614,202 alleles (0.0026%); highest among the groups gnomAD compares: Middle Eastern, 0.05%; 1 homozygote.

Submissions (2):

PreventionGenetics, part of Exact Sciences
Classification: Uncertain significance for ACOX2-related condition. Last evaluated: 2025-02-27. Review status: criteria provided, single submitter. Criteria: ACMG Guidelines, 2015. Collection method: clinical testing. Allele origin: germline.
Comment: The ACOX2 c.1240G>A variant is predicted to result in the amino acid substitution p.Gly414Arg. To our knowledge, this variant has not been reported in the literature. This variant is reported in 0.0054% of alleles in individuals of East Asian descent in gnomAD. At this time, the clinical significance of this variant is uncertain due to the absence of conclusive functional and genetic evidence.

Ambry Genetics
Classification: Uncertain significance. Last evaluated: 2024-09-20. Review status: criteria provided, single submitter. Criteria: Ambry Variant Classification Scheme 2023. Collection method: clinical testing. Allele origin: germline.